The following is an entry in ClinVar:

ClinVar aggregate classification (germline): Uncertain significance (1 of 4 stars; one submission).

Conditions:
Progressive familial heart block type IB (PFHB1B). Identifiers: Orphanet 871, MedGen C1970298, MONDO:0011474, OMIM 604559.

Submission:

Labcorp Genetics (formerly Invitae), Labcorp
Classification: Uncertain significance for Progressive familial heart block type IB. Last evaluated: 2024-10-15. Review status: criteria provided, single submitter. Criteria: Invitae Variant Classification Sherloc (09022015). Collection method: clinical testing. Allele origin: germline.
Comment: This sequence change falls in intron 11 of the TRPM4 gene. It does not directly change the encoded amino acid sequence of the TRPM4 protein. This variant is not present in population databases (gnomAD no frequency). This variant has not been reported in the literature in individuals affected with TRPM4-related conditions. Algorithms developed to predict the effect of sequence changes on RNA splicing suggest that this variant may create or strengthen a splice site. In summary, the available evidence is currently insufficient to determine the role of this variant in disease. Therefore, it has been classified as a Variant of Uncertain Significance.

NM_017636.4(TRPM4):c.1609-5G>A

Gene: TRPM4 (transient receptor potential cation channel subfamily M member 4; plus strand). Cytogenetic location: 19q13.33.
Variant type: single nucleotide variant.
Coding change: c.1609-5G>A on transcript NM_017636.4 (MANE Select); 5 bases into the intron before coding-DNA position 1609, G replaced by A.
Molecular consequence: intron variant.
Genome position (GRCh38, 1-based): chr19:49,183,073, G>A. VCF-style: chr19-49183073-G-A. GRCh37 (hg19) VCF-style: chr19-49686330-G-A.
Other names: c.1609-5G>A (NM_001195227.2); c.1-5G>A (NM_001321282.2); c.1264-5G>A (NM_001321281.2); c.1087-5G>A (NM_001321283.2); c.547-5G>A (NM_001321285.2).
Identifiers: ClinVar variation 3722904 (VCV003722904.2).